The following is an entry in ClinVar:

ClinVar aggregate classification (germline): Conflicting classifications of pathogenicity. Review status: no assertion criteria provided (0 of 4 stars). 2 submissions from 2 submitters: Pathogenic (1); Uncertain significance (1). Last evaluated 2024-06-14.

Conditions:
PPARG-related disorder. Also called: PPARG-related condition; PPARG-related disorders.
PPARG-related familial partial lipodystrophy. Also called: LIPODYSTROPHY, FAMILIAL PARTIAL, ASSOCIATED WITH PPARG MUTATIONS. Identifiers: Orphanet 79083, MedGen C1720861, MONDO:0011448, OMIM 604367.

Submissions (2):

PreventionGenetics, part of Exact Sciences
Classification: Uncertain significance for PPARG-related condition. Last evaluated: 2024-06-14. Review status: no assertion criteria provided. Collection method: clinical testing. Allele origin: germline.
Comment: The PPARG c.365T>C variant is predicted to result in the amino acid substitution p.Leu122Pro. To our knowledge, this variant has not been reported in the literature or in a large population database, indicating this variant is rare. At this time, the clinical significance of this variant is uncertain due to the absence of conclusive functional and genetic evidence.

Centro De Biociências, Universidade Federal do Rio Grande do Norte
Classification: Pathogenic for PPARG-related familial partial lipodystrophy. Last evaluated: 2020-03-23. Review status: no assertion criteria provided. Collection method: clinical testing. Allele origin: germline. Inheritance: Autosomal dominant inheritance. Affected: yes. Observed: 1 heterozygote.
Comment: The genetic variant Chr3:12.381.376 T>C (or c.365T>C - ENST00000287820) causes the substitution of leucine with proline at position 122 in the amino acid sequence (p.Leu122Pro). This substitution is predicted to be harmful by computational programs for in silico pathogenicity prediction, as leucine in position 122 is a conserved amino acid in various biological species. This variant is quite rare, being absent from around 125 thousand individuals in the world population. Heterozygous pathogenic variants in the PPARG gene are linked to familial partial lipodystrophy type 3 (OMIM# 604367), which presents with abnormal fat distribution, muscle hypertrophy, insulin resistance, development of diabetes, hypertriglyceridemia, polycystic ovary syndrome, and hepatic steatosis resulting in secondary hepatomegaly.

NM_138711.6(PPARG):c.275T>C (p.Leu92Pro)

Gene: PPARG (peroxisome proliferator activated receptor gamma; plus strand). Cytogenetic location: 3p25.2.
Variant type: single nucleotide variant.
Coding change: c.275T>C on transcript NM_138711.6 (MANE Select); coding-DNA position 275, T replaced by C.
Protein change: p.Leu92Pro; replaces leucine 92 with proline.
Molecular consequence: missense variant. On other transcripts: 5 prime UTR variant (1).
Genome position (GRCh38, 1-based): chr3:12,381,376, T>C. VCF-style: chr3-12381376-T-C. GRCh37 (hg19) VCF-style: chr3-12422875-T-C.
Other names: c.275T>C, p.Leu92Pro (NM_001330615.4, NM_001354666.3, NM_001354667.3 and 6 more transcripts); c.365T>C, p.Leu122Pro (NM_001354668.2, NM_001374265.1, NM_015869.5); c.-153T>C (NM_001354669.2); c.281T>C, p.Leu94Pro (NM_001354670.2, NM_001374266.1); short protein forms L122P, L92P, L94P.
Identifiers: ClinVar variation 3345678 (VCV003345678.2).
Genomic context (GRCh38, chr3:12,381,376, plus strand): 5'-ACACAGGTGCAATCAAAGTGGAGCCTGCATCTCCACCTTATTATTCTGAGAAGACTCAGC[T>C]CTACAATAAGCCTCATGAAGAGCCTTCCAACTCCCTCATGGCAATTGAATGTCGTGTCTG-3'
Protein context (NP_619725.3, residues 82-102): SPPYYSEKTQ[Leu92Pro]YNKPHEEPSN